The following is an entry in ClinVar:

ClinVar aggregate classification (germline): Uncertain significance. Review status: criteria provided, multiple submitters, no conflicts (2 of 4 stars). 2 submissions from 2 submitters: Uncertain significance (2). Last evaluated 2023-12-19.

Conditions:
Spinocerebellar ataxia 45. Identifiers: Orphanet 589527, MedGen C4540400, MONDO:0033480, OMIM 617769.

Allele frequency attached by ClinVar (database versions not stated): gnomAD exomes below 0.00001; gnomAD 0.00001; TOPMed 0.00002.
gnomAD v4.1: 8 of 1,614,068 alleles (0.0005%); highest among the groups gnomAD compares: African/African-American, 0.0013%; no homozygotes.

Submissions (2):

Revvity Omics, Revvity
Classification: Uncertain significance for Spinocerebellar ataxia 45. Last evaluated: 2023-12-19. Review status: criteria provided, single submitter. Criteria: ACMG Guidelines, 2015. Collection method: clinical testing. Allele origin: germline.

Labcorp Genetics (formerly Invitae), Labcorp
Classification: Uncertain significance. Last evaluated: 2023-04-07. Review status: criteria provided, single submitter. Criteria: Invitae Variant Classification Sherloc (09022015). Collection method: clinical testing. Allele origin: germline.
Comment: In summary, the available evidence is currently insufficient to determine the role of this variant in disease. Therefore, it has been classified as a Variant of Uncertain Significance. Algorithms developed to predict the effect of missense changes on protein structure and function output the following: SIFT: "Not Available"; PolyPhen-2: "Benign"; Align-GVGD: "Not Available". The arginine amino acid residue is found in multiple mammalian species, which suggests that this missense change does not adversely affect protein function. ClinVar contains an entry for this variant (Variation ID: 2441363). This variant has not been reported in the literature in individuals affected with FAT2-related conditions. This variant is not present in population databases (gnomAD no frequency). This sequence change replaces glycine, which is neutral and non-polar, with arginine, which is basic and polar, at codon 1261 of the FAT2 protein (p.Gly1261Arg).

NM_001447.3(FAT2):c.3781G>C (p.Gly1261Arg)

Genes: FAT2 (FAT atypical cadherin 2; minus strand), SLC36A1 (solute carrier family 36 member 1; plus strand). Cytogenetic location: 5q33.1.
Variant type: single nucleotide variant.
Coding change: c.3781G>C on transcript NM_001447.3 (MANE Select); coding-DNA position 3781, G replaced by C.
Protein change: p.Gly1261Arg; replaces glycine 1261 with arginine.
Molecular consequence: missense variant.
Genome position (GRCh38, 1-based): chr5:151,554,526, C>G on the plus strand (G>C on the coding strand, the complement: FAT2 is on the minus strand). VCF-style: chr5-151554526-C-G. GRCh37 (hg19) VCF-style: chr5-150934087-C-G.
Other names: short protein forms G1261R.
Identifiers: ClinVar variation 2441363 (VCV002441363.6), dbSNP rs1292757847, ClinGen allele CA361848482.